The following is an entry in ClinVar:

NM_001244008.2(KIF1A):c.3149A>G (p.Gln1050Arg)

Gene: KIF1A (kinesin family member 1A; minus strand). Cytogenetic location: 2q37.3.
Variant type: single nucleotide variant.
Coding change: c.3149A>G on transcript NM_001244008.2 (MANE Select); coding-DNA position 3149, A replaced by G.
Protein change: p.Gln1050Arg; replaces glutamine 1050 with arginine.
Molecular consequence: missense variant.
Genome position (GRCh38, 1-based): chr2:240,746,092, T>C on the plus strand (A>G on the coding strand, the complement: KIF1A is on the minus strand). VCF-style: chr2-240746092-T-C. GRCh37 (hg19) VCF-style: chr2-241685509-T-C.
Other names: c.2873A>G, p.Gln958Arg (NM_001320705.2, NM_001330289.2, NM_001379638.1); c.2948A>G, p.Gln983Arg (NM_001330290.2, NM_001379634.1, NM_001379635.1 and 1 more transcripts); c.3224A>G, p.Gln1075Arg (NM_001379631.1); c.3098A>G, p.Gln1033Arg (NM_001379632.1); c.3122A>G, p.Gln1041Arg (NM_001379633.1, NM_001379642.1, NM_001379645.1); c.2846A>G, p.Gln949Arg (NM_001379636.1, NM_001379639.1, NM_001379640.1 and 6 more transcripts); c.2921A>G, p.Gln974Arg (NM_001379637.1, NM_001379648.1); short protein forms Q1050R, Q983R, Q949R, Q958R, Q1075R, Q1041R, Q974R, Q1033R.
Identifiers: ClinVar variation 854834 (VCV000854834.10), dbSNP rs1472781226, ClinGen allele CA351318858.
Genomic context (GRCh38, chr2:240,746,092, plus strand): 5'-GACCCACCTGAACAGGTGTTGTTGTTGACTTCATCGGCTGAGGGCCCCACGTCTGCACCC[T>C]GGCCCTGGCCCTCCACGATGCGAAGCTCTTCCTGGGAGGTTCCCGAGCGGGACATCCCCA-3'
Protein context (NP_001230937.1, residues 1040-1060): EELRIVEGQG[Gln1050Arg]GADVGPSADE

ClinVar aggregate classification (germline): Uncertain significance (1 of 4 stars; one submission).

Conditions:
Hereditary spastic paraplegia 30. Identifiers: Orphanet 101010, MedGen C5235139, MONDO:0012476.
Neuropathy, hereditary sensory, type 2C. Also called: Hereditary sensory and autonomic neuropathy type IIC; KIF1A-Related HSAN2 (HSAN2C). Identifiers: Orphanet 970, MedGen C3280168, MONDO:0013634, OMIM 614213.
Intellectual disability, autosomal dominant 9 (NESCAVS). Also called: NESCAV SYNDROME; KIF1A-Related Neurodevelopmental Disorder. Identifiers: Orphanet 662367, MedGen C5393830, MONDO:0013656, OMIM 614255.

Allele frequency attached by ClinVar (database versions not stated): gnomAD exomes below 0.00001; TOPMed below 0.00001; gnomAD 0.00001.
gnomAD v4.1: 6 of 1,591,798 alleles (0.00038%); highest among the groups gnomAD compares: East Asian, 0.0023%; no homozygotes.

Submission:

Labcorp Genetics (formerly Invitae), Labcorp
Classification: Uncertain significance for Hereditary spastic paraplegia 30; Neuropathy, hereditary sensory, type 2C; Intellectual disability, autosomal dominant 9. Last evaluated: 2022-05-12. Review status: criteria provided, single submitter. Criteria: Invitae Variant Classification Sherloc (09022015). Collection method: clinical testing. Allele origin: germline.
Comment: This variant has not been reported in the literature in individuals affected with KIF1A-related conditions. ClinVar contains an entry for this variant (Variation ID: 854834). Advanced modeling of protein sequence and biophysical properties (such as structural, functional, and spatial information, amino acid conservation, physicochemical variation, residue mobility, and thermodynamic stability) performed at Invitae indicates that this missense variant is not expected to disrupt KIF1A protein function. In summary, the available evidence is currently insufficient to determine the role of this variant in disease. Therefore, it has been classified as a Variant of Uncertain Significance. This variant is not present in population databases (gnomAD no frequency). This sequence change replaces glutamine, which is neutral and polar, with arginine, which is basic and polar, at codon 949 of the KIF1A protein (p.Gln949Arg).